The following is an entry in ClinVar:

NM_006096.4(NDRG1):c.956G>T (p.Ser319Ile)

Gene: NDRG1 (N-myc downstream regulated 1; minus strand). Cytogenetic location: 8q24.22.
Variant type: single nucleotide variant.
Coding change: c.956G>T on transcript NM_006096.4 (MANE Select); coding-DNA position 956, G replaced by T.
Protein change: p.Ser319Ile; replaces serine 319 with isoleucine.
Molecular consequence: missense variant.
Genome position (GRCh38, 1-based): chr8:133,239,107, C>A on the plus strand (G>T on the coding strand, the complement: NDRG1 is on the minus strand). VCF-style: chr8-133239107-C-A. GRCh37 (hg19) VCF-style: chr8-134251350-C-A.
Other names: c.956G>T, p.Ser319Ile (NM_001135242.2, NM_001374845.1, NM_001374846.1); c.758G>T, p.Ser253Ile (NM_001258432.2, NM_001374847.1); c.713G>T, p.Ser238Ile (NM_001258433.2); c.1007G>T, p.Ser336Ile (NM_001374844.1); short protein forms S253I, S319I, S238I, S336I.
Identifiers: ClinVar variation 2014605 (VCV002014605.4), dbSNP rs1564277421, ClinGen allele CA372254641.

ClinVar aggregate classification (germline): Uncertain significance (1 of 4 stars; one submission).

Conditions:
Charcot-Marie-Tooth disease type 4. Also called: Charcot-Marie-Tooth, Type 4; Charcot-Marie-Tooth disease, type IV. Identifiers: Orphanet 64749, MedGen C4082197, MONDO:0018995.

Submission:

Labcorp Genetics (formerly Invitae), Labcorp
Classification: Uncertain significance for Charcot-Marie-Tooth disease type 4. Last evaluated: 2022-07-06. Review status: criteria provided, single submitter. Criteria: Invitae Variant Classification Sherloc (09022015). Collection method: clinical testing. Allele origin: germline.
Comment: This variant has not been reported in the literature in individuals affected with NDRG1-related conditions. Algorithms developed to predict the effect of missense changes on protein structure and function (SIFT, PolyPhen-2, Align-GVGD) all suggest that this variant is likely to be tolerated. In summary, the available evidence is currently insufficient to determine the role of this variant in disease. Therefore, it has been classified as a Variant of Uncertain Significance. This variant is not present in population databases (gnomAD no frequency). This sequence change replaces serine, which is neutral and polar, with isoleucine, which is neutral and non-polar, at codon 319 of the NDRG1 protein (p.Ser319Ile).